The following is an entry in ClinVar:

ClinVar aggregate classification (germline): Pathogenic (1 of 4 stars; one submission).

Conditions:
Glycine encephalopathy 1 (GCE1). Identifiers: MedGen CN376801, MONDO:0958179, OMIM 605899.

Submission:

Myriad Genetics, Inc.
Classification: Pathogenic for Glycine encephalopathy 1. Last evaluated: 2023-08-15. Review status: criteria provided, single submitter. Criteria: Myriad Autosomal Dominant, Autosomal Recessive and X-Linked Classification Criteria (2023). Collection method: clinical testing. Allele origin: unknown.
Comment: NM_000170.2(GLDC):c.582delA(S195Pfs*36) is expected to be pathogenic in the context of glycine encephalopathy, GLDC-related. This variant is predicted to lead to an abnormal or absent protein product due to the creation of a premature termination codon in GLDC, a gene where loss-of-function variants are known to be pathogenic. Please note: this variant was assessed in the context of healthy population screening.

NM_000170.3(GLDC):c.582del (p.Ser195fs)

Gene: GLDC (glycine decarboxylase; minus strand). Cytogenetic location: 9p24.1.
Variant type: Deletion.
Coding change: c.582del on transcript NM_000170.3 (MANE Select); coding-DNA position 582, one base deleted (A; older notation c.582delA).
Protein change: p.Ser195fs; shifts the reading frame from serine 195.
Molecular consequence: frameshift variant.
Genome position (GRCh38, 1-based): chr9:6,610,245, T deleted on the plus strand (A on the coding strand, the reverse complement: GLDC is on the minus strand). VCF-style (leftmost placement, unchanged base first): chr9-6610244-AT-A. GRCh37 (hg19) VCF-style: chr9-6610244-AT-A.
Other names: short protein forms S195fs.
Identifiers: ClinVar variation 5011353 (VCV005011353.1).